The following is an entry in ClinVar:

ClinVar aggregate classification (germline): Likely pathogenic (1 of 4 stars; one submission).

Allele frequency attached by ClinVar (database versions not stated): TOPMed below 0.00001; gnomAD 0.00001.

Submission:

GeneDx
Classification: Likely pathogenic. Last evaluated: 2023-12-20. Review status: criteria provided, single submitter. Criteria: GeneDx Variant Classification Process June 2021. Collection method: clinical testing. Allele origin: germline.
Comment: Identified via exome trio analysis in trans with missense variant in an individual with autism spectrum disorder (PMID: 33023636); Frameshift variant predicted to result in protein truncation, as the last 24 amino acids are replaced with 9 different amino acids, and other loss-of-function variants have been reported downstream in HGMD; Not observed at significant frequency in large population cohorts (gnomAD); This variant is associated with the following publications: (PMID: 33023636)

NM_001170535.3(ATAD3A):c.1689del (p.Gln563fs)

Gene: ATAD3A (ATPase family AAA domain containing 3A; plus strand). Cytogenetic location: 1p36.33.
Variant type: Deletion.
Coding change: c.1689del on transcript NM_001170535.3 (MANE Select); coding-DNA position 1689, one base deleted (G; older notation c.1689delG).
Protein change: p.Gln563fs; shifts the reading frame from glutamine 563.
Molecular consequence: frameshift variant.
Genome position (GRCh38, 1-based): chr1:1,534,000, G deleted. VCF-style (leftmost placement, unchanged base first): chr1-1533999-AG-A. GRCh37 (hg19) VCF-style: chr1-1469379-AG-A.
Other names: c.1452del, p.Gln484fs (NM_001170536.3); c.1833del, p.Gln611fs (NM_018188.5); short protein forms Q611fs, Q484fs, Q563fs.
Identifiers: ClinVar variation 1810561 (VCV001810561.2), dbSNP rs1467255409, ClinGen allele CA889463801.